The following is an entry in ClinVar:

ClinVar aggregate classification (germline): Conflicting classifications of pathogenicity. Review status: criteria provided, conflicting classifications (1 of 4 stars). 4 submissions from 4 submitters: Uncertain significance (1); Likely benign (3). Last evaluated 2026-01-24.

Conditions:
PINK1-related disorder. Also called: PINK1-related condition.
Autosomal recessive early-onset Parkinson disease 6 (PARK6). Also called: PINK1-Related Parkinson Disease; PINK1 Type of Young-Onset Parkinson Disease; PARKINSON DISEASE 6, EARLY-ONSET; PARKINSON DISEASE 6, MODIFIER OF. Identifiers: Orphanet 2828, MedGen C1853833, MONDO:0011613, OMIM 605909.

Allele frequency attached by ClinVar (database versions not stated): ESP Exome Variant Server 0.00031; gnomAD 0.00032 and 0.00033; TOPMed 0.00032; gnomAD exomes 0.00038 and 0.00052; ExAC 0.00042.
gnomAD v4.1: 803 of 1,613,832 alleles (0.05%); highest among the groups gnomAD compares: Non-Finnish European, 0.064%; no homozygotes.

Submissions (4):

Labcorp Genetics (formerly Invitae), Labcorp
Classification: Likely benign for Autosomal recessive early-onset Parkinson disease 6. Last evaluated: 2026-01-24. Review status: criteria provided, single submitter. Criteria: Invitae Variant Classification Sherloc (09022015). Collection method: clinical testing. Allele origin: germline.

PreventionGenetics, part of Exact Sciences
Classification: Likely benign for PINK1-related condition. Last evaluated: 2025-11-19. Review status: criteria provided, single submitter. Criteria: ACMG Guidelines, 2015. Collection method: clinical testing. Allele origin: germline.
Comment: This variant is classified as likely benign based on ACMG/AMP sequence variant interpretation guidelines (Richards et al. 2015 PMID: 25741868, with internal and published modifications).

CeGaT Center for Human Genetics Tuebingen
Classification: Likely benign. Last evaluated: 2023-07-01. Review status: criteria provided, single submitter. Criteria: CeGaT Center For Human Genetics Tuebingen Variant Classification Criteria Version 2. Collection method: clinical testing. Allele origin: germline. Affected: yes. Observed: 4 variant alleles.
Comment: PINK1: BP4, BP7

Illumina Laboratory Services, Illumina
Classification: Uncertain significance for Autosomal recessive early-onset Parkinson disease 6. Last evaluated: 2018-01-13. Review status: criteria provided, single submitter. Criteria: ICSL Variant Classification Criteria 13 December 2019. Collection method: clinical testing. Allele origin: germline.

NM_032409.3(PINK1):c.1728A>G (p.Ser576=)

Genes: PINK1 (PTEN induced kinase 1; plus strand), PINK1-AS (PINK1 antisense RNA; minus strand). Cytogenetic location: 1p36.12.
Variant type: single nucleotide variant.
Coding change: c.1728A>G on transcript NM_032409.3 (MANE Select); coding-DNA position 1728, A replaced by G.
Protein change: p.Ser576=; no amino-acid change (serine 576 retained).
Molecular consequence: synonymous variant. On other transcripts: non-coding transcript variant (1).
Genome position (GRCh38, 1-based): chr1:20,650,673, A>G. VCF-style: chr1-20650673-A-G. GRCh37 (hg19) VCF-style: chr1-20977166-A-G.
Identifiers: ClinVar variation 876858 (VCV000876858.48), dbSNP rs149994404, ClinGen allele CA660916.